The following is an entry in ClinVar:

ClinVar aggregate classification (germline): Uncertain significance. Review status: criteria provided, multiple submitters, no conflicts (2 of 4 stars). 2 submissions from 2 submitters: Uncertain significance (2). Last evaluated 2024-04-17.

Allele frequency attached by ClinVar (database versions not stated): ExAC 0.00001; gnomAD 0.00001; gnomAD exomes 0.00001 and 0.00004; TOPMed 0.00001; ESP Exome Variant Server 0.00008.
gnomAD v4.1: 59 of 1,600,538 alleles (0.0037%); highest among the groups gnomAD compares: Non-Finnish European, 0.0047%; no homozygotes.

Submissions (3):

Labcorp Genetics (formerly Invitae), Labcorp
Classification: Uncertain significance. Last evaluated: 2024-04-17. Review status: criteria provided, single submitter. Criteria: Invitae Variant Classification Sherloc (09022015). Collection method: clinical testing. Allele origin: germline.
Comment: This sequence change falls in intron 10 of the CSF1R gene. It does not directly change the encoded amino acid sequence of the CSF1R protein. It affects a nucleotide within the consensus splice site. This variant is present in population databases (rs370155999, gnomAD 0.002%). This variant has been observed in individual(s) with clinical features of CSF1R-related disease (Invitae). ClinVar contains an entry for this variant (Variation ID: 1487941). Variants that disrupt the consensus splice site are a relatively common cause of aberrant splicing (PMID: 17576681, 9536098). Algorithms developed to predict the effect of sequence changes on RNA splicing suggest that this variant may disrupt the consensus splice site. In summary, the available evidence is currently insufficient to determine the role of this variant in disease. Therefore, it has been classified as a Variant of Uncertain Significance.

CeGaT Center for Human Genetics Tuebingen
Classification: Uncertain significance. Last evaluated: 2024-03-01. Review status: criteria provided, single submitter. Criteria: CeGaT Center For Human Genetics Tuebingen Variant Classification Criteria Version 2. Collection method: clinical testing. Allele origin: germline. Affected: yes. Observed: 2 variant alleles.
Comment: CSF1R: PM2, BP4

Dr. Peter K. Rogan Lab, Western University
No classification provided (evidence only). Condition: Malignant tumor of esophagus. Review status: no classification provided. Collection method: in vitro. Allele origin: not applicable. Functional consequence: retained intron. Not counted in ClinVar's aggregate classification.

Literature cited by the submitters: PubMed 17576681 (cited by Labcorp Genetics (formerly Invitae), Labcorp); PubMed 9536098 (cited by Labcorp Genetics (formerly Invitae), Labcorp).

NM_001288705.3(CSF1R):c.1510+5G>C

Gene: CSF1R (colony stimulating factor 1 receptor; minus strand). Cytogenetic location: 5q32.
Variant type: single nucleotide variant.
Coding change: c.1510+5G>C on transcript NM_001288705.3 (MANE Select); 5 bases into the intron after coding-DNA position 1510, G replaced by C.
Molecular consequence: intron variant.
Genome position (GRCh38, 1-based): chr5:150,069,868, C>G on the plus strand (G>C on the coding strand, the complement: CSF1R is on the minus strand). VCF-style: chr5-150069868-C-G. GRCh37 (hg19) VCF-style: chr5-149449431-C-G.
Other names: c.1066+5G>C (NM_001375321.1); c.1510+5G>C (NM_005211.4, NM_001375320.1, NM_001349736.2).
Identifiers: ClinVar variation 1487941 (VCV001487941.32), dbSNP rs370155999, ClinGen allele CA3506836.